The following is an entry in ClinVar:

NM_015047.3(EMC1):c.1719G>A (p.Met573Ile)

Genes: EMC1 (ER membrane protein complex subunit 1; minus strand), EMC1-AS1 (EMC1 antisense RNA 1; plus strand). Cytogenetic location: 1p36.13.
Variant type: single nucleotide variant.
Coding change: c.1719G>A on transcript NM_015047.3 (MANE Select); coding-DNA position 1719, G replaced by A.
Protein change: p.Met573Ile; replaces methionine 573 with isoleucine.
Molecular consequence: missense variant.
Genome position (GRCh38, 1-based): chr1:19,232,687, C>T on the plus strand (G>A on the coding strand, the complement: EMC1 is on the minus strand). VCF-style: chr1-19232687-C-T. GRCh37 (hg19) VCF-style: chr1-19559181-C-T.
Other names: c.1716G>A, p.Met572Ile (NM_001271427.2, NM_001271428.2); c.1653G>A, p.Met551Ile (NM_001271429.2); c.1728G>A, p.Met576Ile (NM_001375820.1); c.1725G>A, p.Met575Ile (NM_001375821.1); short protein forms M575I, M576I, M572I, M573I, M551I.
Identifiers: ClinVar variation 4763242 (VCV004763242.1).

ClinVar aggregate classification (germline): Uncertain significance (1 of 4 stars; one submission).

gnomAD v4.1: 1 of 1,614,164 alleles (0.000062%); highest among the groups gnomAD compares: Non-Finnish European, 0.000085%; no homozygotes.

Submission:

Labcorp Genetics (formerly Invitae), Labcorp
Classification: Uncertain significance. Last evaluated: 2025-09-28. Review status: criteria provided, single submitter. Criteria: Invitae Variant Classification Sherloc (09022015). Collection method: clinical testing. Allele origin: germline.
Comment: This sequence change replaces methionine, which is neutral and non-polar, with isoleucine, which is neutral and non-polar, at codon 573 of the EMC1 protein (p.Met573Ile). This variant is not present in population databases (gnomAD no frequency). This variant has not been reported in the literature in individuals affected with EMC1-related conditions. Invitae Evidence Modeling of protein sequence and biophysical properties (such as structural, functional, and spatial information, amino acid conservation, physicochemical variation, residue mobility, and thermodynamic stability) indicates that this missense variant is not expected to disrupt EMC1 protein function with a negative predictive value of 80%. In summary, the available evidence is currently insufficient to determine the role of this variant in disease. Therefore, it has been classified as a Variant of Uncertain Significance.